The following is an entry in ClinVar:

NM_022367.4(SEMA4A):c.1380dup (p.Gln461fs)

Gene: SEMA4A (semaphorin 4A; plus strand). Cytogenetic location: 1q22.
Variant type: Duplication.
Coding change: c.1380dup on transcript NM_022367.4 (MANE Select); coding-DNA position 1380, one base duplicated (T; older notation c.1380dupT).
Protein change: p.Gln461fs; shifts the reading frame from glutamine 461.
Molecular consequence: frameshift variant.
Genome position (GRCh38, 1-based): chr1:156,174,886, T duplicated; the last of 2 consecutive T bases (chr1:156,174,885-156,174,886); duplicating either gives the same sequence. VCF-style (leftmost placement, unchanged base first): chr1-156174884-A-AT. GRCh37 (hg19) VCF-style: chr1-156144675-A-AT.
Other names: c.1380dup, p.Gln461fs (NM_001193300.2, NM_001193301.2, NM_001370567.1); c.984dup, p.Gln329fs (NM_001193302.2); c.1083dup, p.Gln362fs (NM_001370568.1); c.873dup, p.Gln292fs (NM_001370569.1, NM_001370571.1); short protein forms Q329fs, Q362fs, Q292fs, Q461fs.
Identifiers: ClinVar variation 1482378 (VCV001482378.6), dbSNP rs762848715, ClinGen allele CA1155347.

ClinVar aggregate classification (germline): Uncertain significance (1 of 4 stars; one submission).

Submission:

Labcorp Genetics (formerly Invitae), Labcorp
Classification: Uncertain significance. Last evaluated: 2021-04-13. Review status: criteria provided, single submitter. Criteria: Invitae Variant Classification Sherloc (09022015). Collection method: clinical testing. Allele origin: germline.
Comment: In summary, the available evidence is currently insufficient to determine the role of this variant in disease. Therefore, it has been classified as a Variant of Uncertain Significance. This variant has not been reported in the literature in individuals with SEMA4A-related conditions. This variant is present in population databases (rs762848715, ExAC 0.003%). This sequence change creates a premature translational stop signal (p.Gln461Serfs*5) in the SEMA4A gene. It is expected to result in an absent or disrupted protein product. However, the current clinical and genetic evidence is not sufficient to establish whether loss-of-function variants in SEMA4A cause disease.